The following is an entry in ClinVar:

NM_001354604.2(MITF):c.856C>T (p.Pro286Ser)

Gene: MITF (melanocyte inducing transcription factor; plus strand). Cytogenetic location: 3p13.
Variant type: single nucleotide variant.
Coding change: c.856C>T on transcript NM_001354604.2 (MANE Select); coding-DNA position 856, C replaced by T.
Protein change: p.Pro286Ser; replaces proline 286 with serine.
Molecular consequence: missense variant.
Genome position (GRCh38, 1-based): chr3:69,949,144, C>T. VCF-style: chr3-69949144-C-T. GRCh37 (hg19) VCF-style: chr3-69998295-C-T.
Other names: c.535C>T, p.Pro179Ser (NM_000248.4, NM_198158.3); c.700C>T, p.Pro234Ser (NM_001184967.2, NM_001354608.2); c.853C>T, p.Pro285Ser (NM_001354605.2, NM_001354606.2, NM_006722.3); c.805C>T, p.Pro269Ser (NM_001354607.2); c.856C>T, p.Pro286Ser (NM_198159.3); c.808C>T, p.Pro270Ser (NM_198177.3); c.367C>T, p.Pro123Ser (NM_198178.3); short protein forms P269S, P234S, P285S, P270S, P123S, P179S, P286S.
Identifiers: ClinVar variation 4108286 (VCV004108286.1).

ClinVar aggregate classification (germline): Uncertain significance (1 of 4 stars; one submission).

Conditions:
Hereditary cancer-predisposing syndrome. Also called: Tumor predisposition; Neoplastic Syndromes, Hereditary; Hereditary neoplastic syndrome; Hereditary Cancer Syndrome. Identifiers: Orphanet 140162, MedGen C0027672, MeSH D009386, MONDO:0015356.

Submission:

Ambry Genetics
Classification: Uncertain significance for Hereditary cancer-predisposing syndrome. Last evaluated: 2025-07-12. Review status: criteria provided, single submitter. Criteria: Ambry Variant Classification Scheme 2023. Collection method: clinical testing. Allele origin: germline.
Comment: The p.P179S variant (also known as c.535C>T), located in coding exon 5 of the MITF gene, results from a C to T substitution at nucleotide position 535. The proline at codon 179 is replaced by serine, an amino acid with similar properties. This amino acid position is conserved. In addition, the in silico prediction for this alteration is inconclusive. Based on the available evidence, the clinical significance of this variant remains unclear.